The following is an entry in ClinVar:

ClinVar aggregate classification (germline): Uncertain significance (1 of 4 stars; one submission).

Conditions:
Glycogen storage disease IXd (GSD9D). Also called: GSD IXd; Muscle Phosphorylase Kinase Deficiency. Identifiers: Orphanet 715, MedGen C1845151, MONDO:0010362, OMIM 300559.

Allele frequency attached by ClinVar (database versions not stated): gnomAD exomes below 0.00001; TOPMed below 0.00001.
gnomAD v4.1: 4 of 1,204,353 alleles (0.00033%); highest among the groups gnomAD compares: Admixed American, 0.0043%; no homozygotes.

Submission:

Labcorp Genetics (formerly Invitae), Labcorp
Classification: Uncertain significance for Glycogen storage disease IXd. Last evaluated: 2022-06-27. Review status: criteria provided, single submitter. Criteria: Invitae Variant Classification Sherloc (09022015). Collection method: clinical testing. Allele origin: germline.
Comment: Algorithms developed to predict the effect of missense changes on protein structure and function output the following: SIFT: "Tolerated"; PolyPhen-2: "Benign"; Align-GVGD: "Class C0". The valine amino acid residue is found in multiple mammalian species, which suggests that this missense change does not adversely affect protein function. In summary, the available evidence is currently insufficient to determine the role of this variant in disease. Therefore, it has been classified as a Variant of Uncertain Significance. This variant has not been reported in the literature in individuals affected with PHKA1-related conditions. This sequence change replaces alanine, which is neutral and non-polar, with valine, which is neutral and non-polar, at codon 1040 of the PHKA1 protein (p.Ala1040Val). This variant is present in population databases (no rsID available, gnomAD 0.008%).

NM_002637.4(PHKA1):c.3119C>T (p.Ala1040Val)

Gene: PHKA1 (phosphorylase kinase regulatory subunit alpha 1; minus strand). Cytogenetic location: Xq13.1.
Variant type: single nucleotide variant.
Coding change: c.3119C>T on transcript NM_002637.4 (MANE Select); coding-DNA position 3119, C replaced by T.
Protein change: p.Ala1040Val; replaces alanine 1040 with valine.
Molecular consequence: missense variant.
Genome position (GRCh38, 1-based): chrX:72,593,228, G>A on the plus strand (C>T on the coding strand, the complement: PHKA1 is on the minus strand). VCF-style: chrX-72593228-G-A. GRCh37 (hg19) VCF-style: chrX-71813078-G-A.
Other names: c.3080C>T, p.Ala1027Val (NM_001122670.2); c.2903C>T, p.Ala968Val (NM_001172436.2); short protein forms A968V, A1027V, A1040V.
Identifiers: ClinVar variation 1942375 (VCV001942375.5), dbSNP rs1556228496, ClinGen allele CA413585158.
Genomic context (GRCh38, chrX:72,593,228, plus strand): 5'-AGCCTTCTTCGGCGTTGCCATTGACCTTGACGACTATCTTTAGATGACTGCTGATCATAT[G>A]CACTAGGAAAGGACCCACTACTTGGAGTCATAGAGGTTCCAGGTGACTTGGAAGAGGAGA-3'
Protein context (NP_002628.2, residues 1030-1050): MTPSSGSFPS[Ala1040Val]YDQQSSKDSR